The following is an entry in ClinVar:

NM_005027.4(PIK3R2):c.389A>C (p.Lys130Thr)

Gene: PIK3R2 (phosphoinositide-3-kinase regulatory subunit 2; plus strand). Cytogenetic location: 19p13.11.
Variant type: single nucleotide variant.
Coding change: c.389A>C on transcript NM_005027.4 (MANE Select); coding-DNA position 389, A replaced by C.
Protein change: p.Lys130Thr; replaces lysine 130 with threonine.
Molecular consequence: missense variant. On other transcripts: non-coding transcript variant (2).
Genome position (GRCh38, 1-based): chr19:18,160,537, A>C. VCF-style: chr19-18160537-A-C. GRCh37 (hg19) VCF-style: chr19-18271347-A-C.
Other names: short protein forms K130T.
Identifiers: ClinVar variation 2136042 (VCV002136042.1), dbSNP rs2513560105, ClinGen allele CA404803564.
Genomic context (GRCh38, chr19:18,160,537, plus strand): 5'-CACTCCCCGACTTGCCCGAGCAGTTCTCCCCACCTGATGTGGCTCCCCCTCTTCTGGTGA[A>C]GCTTGTGGAGGCCATTGAAAGGACAGGTAAGTTCCAGCCTGGCTGCAGCCCCTGGATTCT-3'
Protein context (NP_005018.2, residues 120-140): PPDVAPPLLV[Lys130Thr]LVEAIERTGL

ClinVar aggregate classification (germline): Uncertain significance (1 of 4 stars; one submission).

Allele frequency attached by ClinVar (database versions not stated): gnomAD exomes below 0.00001.
gnomAD v4.1: 1 of 1,613,722 alleles (0.000062%); highest among the groups gnomAD compares: South Asian, 0.0011%; no homozygotes.

Submission:

GeneDx
Classification: Uncertain significance. Last evaluated: 2023-01-18. Review status: criteria provided, single submitter. Criteria: GeneDx Variant Classification Process June 2021. Collection method: clinical testing. Allele origin: germline. Affected: yes.
Comment: Not observed at significant frequency in large population cohorts (gnomAD); In silico analysis supports that this missense variant has a deleterious effect on protein structure/function; Has not been previously published as pathogenic or benign to our knowledge